The following is an entry in ClinVar:

NM_152263.4(TPM3):c.495+28G>C

Gene: TPM3 (tropomyosin 3; minus strand). Cytogenetic location: 1q21.3.
Variant type: single nucleotide variant.
Coding change: c.495+28G>C on transcript NM_152263.4 (MANE Select); 28 bases into the intron after coding-DNA position 495, G replaced by C.
Molecular consequence: intron variant.
Genome position (GRCh38, 1-based): chr1:154,173,056, C>G on the plus strand (G>C on the coding strand, the complement: TPM3 is on the minus strand). VCF-style: chr1-154173056-C-G. GRCh37 (hg19) VCF-style: chr1-154145532-C-G.
Other names: c.495+28G>C (NM_001364679.2, NM_001364681.2, NM_001364680.2 and 1 more transcripts); c.186+28G>C (NM_001278188.2); c.384+28G>C (NM_001043351.2, NM_001043353.2, NM_001349679.2 and 5 more transcripts); c.114+28G>C (NM_001278191.2).
Identifiers: ClinVar variation 262624 (VCV000262624.3), dbSNP rs28372838, ClinGen allele CA1125704.

ClinVar aggregate classification (germline): Benign. Review status: criteria provided, multiple submitters, no conflicts (2 of 4 stars). 3 submissions from 3 submitters: Benign (3). Last evaluated 2018-06-19.

Allele frequency attached by ClinVar (database versions not stated): ESP Exome Variant Server 0.14662; TOPMed 0.14923; 1000 Genomes Project 0.20208; 1000 Genomes Project 30x 0.20315.
gnomAD v4.1: 209,897 of 1,613,452 alleles (13%); highest among the groups gnomAD compares: East Asian, 38%; 15,909 homozygotes.

Submissions (3):

GeneDx
Classification: Benign. Last evaluated: 2018-06-19. Review status: criteria provided, single submitter. Criteria: GeneDx Variant Classification (06012015). Collection method: clinical testing. Allele origin: germline. Affected: yes.
Comment: This variant is considered likely benign or benign based on one or more of the following criteria: it is a conservative change, it occurs at a poorly conserved position in the protein, it is predicted to be benign by multiple in silico algorithms, and/or has population frequency not consistent with disease.

Breakthrough Genomics
Classification: Benign. Review status: criteria provided, single submitter. Criteria: ACMG Guidelines, 2015. Collection method: not provided. Allele origin: germline. Inheritance: Autosomal dominant inheritance. Affected: yes.

PreventionGenetics, part of Exact Sciences
Classification: Benign. Review status: criteria provided, single submitter. Criteria: ACMG Guidelines, 2015. Collection method: clinical testing. Allele origin: germline.